The following is an entry in ClinVar:

NM_021728.4(OTX2):c.259G>A (p.Glu87Lys)

Gene: OTX2 (orthodenticle homeobox 2; minus strand). Cytogenetic location: 14q22.3.
Variant type: single nucleotide variant.
Coding change: c.259G>A on transcript NM_021728.4 (MANE Select); coding-DNA position 259, G replaced by A.
Protein change: p.Glu87Lys; replaces glutamic acid 87 with lysine.
Molecular consequence: missense variant.
Genome position (GRCh38, 1-based): chr14:56,804,202, C>T on the plus strand (G>A on the coding strand, the complement: OTX2 is on the minus strand). VCF-style: chr14-56804202-C-T. GRCh37 (hg19) VCF-style: chr14-57270920-C-T.
Other names: c.235G>A, p.Glu79Lys (NM_001270523.2, NM_001270524.2, NM_172337.3); c.259G>A, p.Glu87Lys (NM_001270525.2); c.235G>A (NM_172337.2); short protein forms E79K, E87K.
Identifiers: ClinVar variation 190251 (VCV000190251.7), dbSNP rs786205224, ClinGen allele CA199649.

ClinVar aggregate classification (germline): Pathogenic/Likely pathogenic. Review status: criteria provided, multiple submitters, no conflicts (2 of 4 stars). 4 submissions from 4 submitters: Pathogenic (1); Likely pathogenic (2). 1 of the submissions does not count toward it. Last evaluated 2026-08-20.

Conditions:
OTX2-related disorder. Also called: OTX2-related disorders; OTX2-related condition.
Syndromic microphthalmia type 5 (MCOPS5). Also called: RETINAL DYSTROPHY, EARLY-ONSET, WITH PITUITARY DYSFUNCTION; RETINAL DYSTROPHY, EARLY-ONSET, WITHOUT PITUITARY DYSFUNCTION. Identifiers: Orphanet 178364, MedGen C1864690, MONDO:0012413, OMIM 610125.

Submissions (4):

PreventionGenetics, part of Exact Sciences
Classification: Likely pathogenic for OTX2-related condition. Last evaluated: 2026-08-20. Review status: criteria provided, single submitter. Criteria: ACMG Guidelines, 2015. Collection method: clinical testing. Allele origin: germline.
Comment: The OTX2 c.235G>A variant is predicted to result in the amino acid substitution p.Glu79Lys. This variant has been reported as segregating with disease in two unrelated families with autosomal dominant pattern dystrophy of the retinal epithelium (described as E79K in Vincent et al. 2014. PubMed ID: 25293953). This variant has not been reported in a large population database, indicating this variant is rare. This variant has been interpreted as likely pathogenic in the ClinVar database. Given the evidence, we interpret c.235G>A (p.Glu79Lys) as likely pathogenic.

GeneDx
Classification: Likely pathogenic. Last evaluated: 2024-11-18. Review status: criteria provided, single submitter. Criteria: GeneDx Variant Classification Process June 2021. Collection method: clinical testing. Allele origin: germline. Affected: yes.
Comment: Identified in a patient and affected parent with high myopia in the published literature (PMID: 34957897); In silico analysis supports that this missense variant has a deleterious effect on protein structure/function; Not observed at significant frequency in large population cohorts (gnomAD); This variant is associated with the following publications: (PMID: 25293953, 37181651, 37963072, 39422807, 38852423, 39023660, 34957897)

Blueprint Genetics
Classification: Pathogenic for OTX2-related disorders. Last evaluated: 2020-06-09. Review status: criteria provided, single submitter. Criteria: ACMG Guidelines, 2015. Collection method: clinical testing. Allele origin: germline. Affected: yes. Observed: 5 variant alleles.

OMIM
Classification: Pathogenic for RETINAL DYSTROPHY, EARLY-ONSET, WITHOUT PITUITARY DYSFUNCTION. Last evaluated: 2014-12-01. Review status: no assertion criteria provided. Collection method: literature only. Allele origin: germline. Not counted in ClinVar's aggregate classification.

Literature cited by the submitters: PubMed 25293953 (cited by OMIM).